The following is an entry in ClinVar:

NM_005422.4(TECTA):c.3095C>T (p.Thr1032Met)

Genes: TBCEL-TECTA (TBCEL-TECTA readthrough; plus strand), TECTA (tectorin alpha; plus strand). Cytogenetic location: 11q23.3.
Variant type: single nucleotide variant.
Coding change: c.3095C>T on transcript NM_005422.4 (MANE Select); coding-DNA position 3095, C replaced by T.
Protein change: p.Thr1032Met; replaces threonine 1032 with methionine.
Molecular consequence: missense variant.
Genome position (GRCh38, 1-based): chr11:121,137,574, C>T. VCF-style: chr11-121137574-C-T. GRCh37 (hg19) VCF-style: chr11-121008283-C-T.
Other names: c.4052C>T, p.Thr1351Met (NM_001378761.1); short protein forms T1032M, T1351M.
Identifiers: ClinVar variation 1415045 (VCV001415045.8), dbSNP rs1011014786, ClinGen allele CA229825419.

ClinVar aggregate classification (germline): Uncertain significance (1 of 4 stars; one submission).

Allele frequency attached by ClinVar (database versions not stated): gnomAD exomes below 0.00001; TOPMed 0.00002.
gnomAD v4.1: 4 of 1,613,888 alleles (0.00025%); highest among the groups gnomAD compares: Middle Eastern, 0.016%; no homozygotes.

Submission:

Labcorp Genetics (formerly Invitae), Labcorp
Classification: Uncertain significance. Last evaluated: 2021-07-19. Review status: criteria provided, single submitter. Criteria: Invitae Variant Classification Sherloc (09022015). Collection method: clinical testing. Allele origin: germline.
Comment: In summary, the available evidence is currently insufficient to determine the role of this variant in disease. Therefore, it has been classified as a Variant of Uncertain Significance. Algorithms developed to predict the effect of missense changes on protein structure and function (SIFT, PolyPhen-2, Align-GVGD) all suggest that this variant is likely to be tolerated. This variant has been observed in individual(s) with deafness (Invitae). This variant is not present in population databases (ExAC no frequency). This sequence change replaces threonine with methionine at codon 1032 of the TECTA protein (p.Thr1032Met). The threonine residue is moderately conserved and there is a moderate physicochemical difference between threonine and methionine.